The following is an entry in ClinVar:

ClinVar aggregate classification (germline): Uncertain significance (1 of 4 stars; one submission).

Conditions:
Bethlem myopathy 2 (BTHLM2). Identifiers: Orphanet 536516, Orphanet 610, MedGen C4225313, MONDO:0034022, OMIM 616471.
Ullrich congenital muscular dystrophy 2 (UCMD2). Identifiers: Orphanet 75840, MedGen C4225314, MONDO:0014654, OMIM 616470.

Submission:

Labcorp Genetics (formerly Invitae), Labcorp
Classification: Uncertain significance for Bethlem myopathy 2; Ullrich congenital muscular dystrophy 2. Last evaluated: 2022-07-06. Review status: criteria provided, single submitter. Criteria: Invitae Variant Classification Sherloc (09022015). Collection method: clinical testing. Allele origin: germline.
Comment: In summary, the available evidence is currently insufficient to determine the role of this variant in disease. Therefore, it has been classified as a Variant of Uncertain Significance. Algorithms developed to predict the effect of missense changes on protein structure and function are either unavailable or do not agree on the potential impact of this missense change (SIFT: "Deleterious"; PolyPhen-2: "Benign"; Align-GVGD: "Class C65"). ClinVar contains an entry for this variant (Variation ID: 1419234). This variant has not been reported in the literature in individuals affected with COL12A1-related conditions. This variant is not present in population databases (gnomAD no frequency). This sequence change replaces asparagine, which is neutral and polar, with lysine, which is basic and polar, at codon 2528 of the COL12A1 protein (p.Asn2528Lys).

NM_004370.6(COL12A1):c.7584C>G (p.Asn2528Lys)

Gene: COL12A1 (collagen type XII alpha 1 chain; minus strand). Cytogenetic location: 6q13.
Variant type: single nucleotide variant.
Coding change: c.7584C>G on transcript NM_004370.6 (MANE Select); coding-DNA position 7584, C replaced by G.
Protein change: p.Asn2528Lys; replaces asparagine 2528 with lysine.
Molecular consequence: missense variant.
Genome position (GRCh38, 1-based): chr6:75,115,897, G>C on the plus strand (C>G on the coding strand, the complement: COL12A1 is on the minus strand). VCF-style: chr6-75115897-G-C. GRCh37 (hg19) VCF-style: chr6-75825613-G-C.
Other names: c.4092C>G, p.Asn1364Lys (NM_080645.3); short protein forms N1364K, N2528K.
Identifiers: ClinVar variation 1419234 (VCV001419234.8), dbSNP rs2149361441, ClinGen allele CA364745485.
Genomic context (GRCh38, chr6:75,115,897, plus strand): 5'-GGGGAAAGACCCTGACTCCAAAGATACTCCTTGTACAGAAGCAAAATTCTTTTCTGTCAG[G>C]TTGTATGCTTCAAGCATTTTAAAACCTTTACATCAGAAAAGAAAATATTAAACGGAGTAC-3'
Protein context (NP_004361.3, residues 2518-2538): SPGFKMLEAY[Asn2528Lys]LTEKNFASVQ